The following is an entry in ClinVar:

NM_001384474.1(LOXHD1):c.1205_1206del (p.Lys402fs)

Gene: LOXHD1 (lipoxygenase homology PLAT domains 1; minus strand). Cytogenetic location: 18q21.1.
Variant type: Deletion.
Coding change: c.1205_1206del on transcript NM_001384474.1 (MANE Select); coding-DNA positions 1205 to 1206, 2 bases deleted (AA; older notation c.1205_1206delAA).
Protein change: p.Lys402fs; shifts the reading frame from lysine 402.
Molecular consequence: frameshift variant.
Genome position (GRCh38, 1-based): chr18:46,594,395-46,594,396, TT deleted on the plus strand (AA on the coding strand, the reverse complement: LOXHD1 is on the minus strand); deleting any 2 consecutive bases within chr18:46,594,395-46,594,397 gives the same sequence; the c. name uses the placement nearest the transcript's 3' end. VCF-style (leftmost placement, unchanged base first): chr18-46594394-CTT-C. GRCh37 (hg19) VCF-style: chr18-44174357-CTT-C.
Other names: c.1205_1206del, p.Lys402fs (NM_144612.7); c.1205_1206del (NM_144612.6); short protein forms K402fs.
Identifiers: ClinVar variation 1455633 (VCV001455633.7), dbSNP rs2144246928, ClinGen allele CA2573155307.
Genomic context (GRCh38, chr18:46,594,394, plus strand): 5'-TCAGCCGCTTCTTCCTGAGAGACACCATCTCATAGAGCTGCCTCTCAATCAACCCATCCG[CTT>C]TCTTCTCATCCAGCCAGTTGCTACAAGGGAAGGTCTGCTGGATACCAGTGAAGGGGCACA-3'

ClinVar aggregate classification (germline): Pathogenic/Likely pathogenic. Review status: criteria provided, multiple submitters, no conflicts (2 of 4 stars). 2 submissions from 2 submitters: Pathogenic (1); Likely pathogenic (1). Last evaluated 2024-08-28.

Conditions:
Autosomal recessive nonsyndromic hearing loss 77. Identifiers: Orphanet 90636, MedGen C2746083, MONDO:0013119, OMIM 613079.

Submissions (2):

Natera, Inc.
Classification: Likely pathogenic for Autosomal recessive deafness type 77. Last evaluated: 2024-08-28. Review status: criteria provided, single submitter. Criteria: Natera Variant Classification Schema (03/2026). Collection method: clinical testing. Allele origin: germline.
Comment: The c.1205_1206del variant in LOXHD1 is a frameshift variant predicted to shift the reading frame beginning at codon 402 and leads to a stop codon 6 codons downstream. This variant is expected to result in nonsense mediated decay, truncation, or a dysfunctional protein product. This variant is rare in the general population with a frequency below the threshold expected for the associated phenotype(s). Given the available evidence, this variant is classified as Likely Pathogenic.

Labcorp Genetics (formerly Invitae), Labcorp
Classification: Pathogenic. Last evaluated: 2023-02-06. Review status: criteria provided, single submitter. Criteria: Invitae Variant Classification Sherloc (09022015). Collection method: clinical testing. Allele origin: germline.
Comment: For these reasons, this variant has been classified as Pathogenic. Algorithms developed to predict the effect of sequence changes on RNA splicing suggest that this variant may disrupt the consensus splice site. ClinVar contains an entry for this variant (Variation ID: 1455633). This variant has not been reported in the literature in individuals affected with LOXHD1-related conditions. This variant is not present in population databases (gnomAD no frequency). This sequence change creates a premature translational stop signal (p.Lys402Serfs*6) in the LOXHD1 gene. It is expected to result in an absent or disrupted protein product. Loss-of-function variants in LOXHD1 are known to be pathogenic (PMID: 19732867, 21465660, 25792669).

Literature cited by the submitters: PubMed 19732867 (cited by Labcorp Genetics (formerly Invitae), Labcorp); PubMed 21465660 (cited by Labcorp Genetics (formerly Invitae), Labcorp); PubMed 25792669 (cited by Labcorp Genetics (formerly Invitae), Labcorp).